The following is an entry in ClinVar:

ClinVar aggregate classification (germline): Uncertain significance. Review status: criteria provided, multiple submitters, no conflicts (2 of 4 stars). 2 submissions from 2 submitters: Uncertain significance (2). Last evaluated 2026-09-17.

Conditions:
Atypical hemolytic-uremic syndrome. Identifiers: Orphanet 2134, MedGen C2931788, MONDO:0016244.

gnomAD v4.1: 7 of 1,613,910 alleles (0.00043%); highest among the groups gnomAD compares: East Asian, 0.013%; no homozygotes.

Submissions (2):

Genomenon, Inc
Classification: Uncertain significance for Atypical hemolytic-uremic syndrome. Last evaluated: 2026-09-17. Review status: criteria provided, single submitter. Criteria: Genomenon Sequence Variant Interpretation Standards - Updated. Collection method: curation. Allele origin: germline. Affected: yes.
Comment: DGKE p.Asp103Glu (c.309C>G) is a missense variant that changes the amino acid at codon 103 from Aspartic acid to Glutamic acid. This variant has been observed in at least one proband affected with atypical hemolytic-uremic syndrome (PMID:30905589). It is absent or not present at a significant frequency in gnomAD. In silico models predict that this variant is not damaging. In conclusion, we classify DGKE p.Asp103Glu (c.309C>G) as a variant of uncertain significance.

Labcorp Genetics (formerly Invitae), Labcorp
Classification: Uncertain significance. Last evaluated: 2026-01-08. Review status: criteria provided, single submitter. Criteria: Invitae Variant Classification Sherloc (09022015). Collection method: clinical testing. Allele origin: germline.
Comment: This sequence change replaces aspartic acid, which is acidic and polar, with glutamic acid, which is acidic and polar, at codon 103 of the DGKE protein (p.Asp103Glu). This variant is present in population databases (rs757482556, gnomAD 0.03%). This missense change has been observed in individual(s) with atypical hemolytic uremic syndrome (PMID: 30905589). Invitae Evidence Modeling of protein sequence and biophysical properties (such as structural, functional, and spatial information, amino acid conservation, physicochemical variation, residue mobility, and thermodynamic stability) indicates that this missense variant is not expected to disrupt DGKE protein function with a negative predictive value of 80%. In summary, the available evidence is currently insufficient to determine the role of this variant in disease. Therefore, it has been classified as a Variant of Uncertain Significance.

Literature cited by the submitters: PubMed 30905589 (cited by Genomenon, Inc and Labcorp Genetics (formerly Invitae), Labcorp).

NM_003647.3(DGKE):c.309C>G (p.Asp103Glu)

Gene: DGKE (diacylglycerol kinase epsilon; plus strand). Cytogenetic location: 17q22.
Variant type: single nucleotide variant.
Coding change: c.309C>G on transcript NM_003647.3 (MANE Select); coding-DNA position 309, C replaced by G.
Protein change: p.Asp103Glu; replaces aspartic acid 103 with glutamic acid.
Molecular consequence: missense variant.
Genome position (GRCh38, 1-based): chr17:56,835,104, C>G. VCF-style: chr17-56835104-C-G. GRCh37 (hg19) VCF-style: chr17-54912465-C-G.
Other names: short protein forms D103E.
Identifiers: ClinVar variation 4751062 (VCV004751062.2).